The following is an entry in ClinVar:

ClinVar aggregate classification (germline): Likely pathogenic. Review status: criteria provided, multiple submitters, no conflicts (2 of 4 stars). 2 submissions from 2 submitters: Likely pathogenic (2). Last evaluated 2025-03-07.

Conditions:
Lymphatic malformation 6 (LMPHM6). Also called: GENERALIZED LYMPHATIC DYSPLASIA OF FOTIOU; Lymphedema, hereditary, III; PIEZO1-related generalized lymphatic dysplasia with non-immune hydrops fetalis. Identifiers: Orphanet 568062, MedGen C4225184, MONDO:0014797, OMIM 616843.

Allele frequency attached by ClinVar (database versions not stated): gnomAD exomes 0.00001.
gnomAD v4.1: 9 of 1,539,060 alleles (0.00058%); highest among the groups gnomAD compares: Non-Finnish European, 0.00079%; no homozygotes.

Submissions (2):

ARUP Laboratories, Molecular Genetics and Genomics, ARUP Laboratories
Classification: Likely pathogenic. Last evaluated: 2025-03-07. Review status: criteria provided, single submitter. Criteria: ARUP Molecular Germline Variant Investigation Process 2024. Collection method: clinical testing. Allele origin: germline.
Comment: The PIEZO1 c.1297-1G>A variant (rs1905219617, ClinVar Variation ID 1698796) has not been reported in individuals with hemolytic anemia but has been found in individuals with lymphatic malformation (Smelser 2022). This variant is absent from the Genome Aggregation Database (v2.1.1), indicating it is not a common polymorphism. This variant disrupts the canonical splice acceptor site of intron 11, which is likely to negatively impact gene function. Based on available information, this variant is considered to be likely pathogenic. References: Smelser DT et al. Association of varicose veins with rare protein-truncating variants in PIEZO1 identified by exome sequencing of a large clinical population. J Vasc Surg Venous Lymphat Disord. 2022 Mar. PMID: 34358671.

Genetics and Molecular Pathology, SA Pathology
Classification: Likely pathogenic for Lymphatic malformation 6. Last evaluated: 2021-01-19. Review status: criteria provided, single submitter. Criteria: ACMG Guidelines, 2015. Collection method: clinical testing. Allele origin: germline. Affected: yes.

NM_001142864.4(PIEZO1):c.1297-1G>A

Genes: HSALR1 (HSP90AB1 associated lncRNA 1; plus strand), PIEZO1 (piezo type mechanosensitive ion channel component 1 (Er blood group); minus strand). Cytogenetic location: 16q24.3.
Variant type: single nucleotide variant.
Coding change: c.1297-1G>A on transcript NM_001142864.4 (MANE Select); the canonical splice acceptor site of the intron before coding-DNA position 1297, G replaced by A.
Molecular consequence: splice acceptor variant.
Genome position (GRCh38, 1-based): chr16:88,736,409, C>T on the plus strand (G>A on the coding strand, the complement: PIEZO1 is on the minus strand). VCF-style: chr16-88736409-C-T. GRCh37 (hg19) VCF-style: chr16-88802817-C-T.
Identifiers: ClinVar variation 1698796 (VCV001698796.4), dbSNP rs1905219617, ClinGen allele CA397118820.